The following is an entry in ClinVar:

NM_001375834.1(WIPF1):c.401G>A (p.Arg134Lys)

Gene: WIPF1 (WAS/WASL interacting protein family member 1; minus strand). Cytogenetic location: 2q31.1.
Variant type: single nucleotide variant.
Coding change: c.401G>A on transcript NM_001375834.1 (MANE Select); coding-DNA position 401, G replaced by A.
Protein change: p.Arg134Lys; replaces arginine 134 with lysine.
Molecular consequence: missense variant. On other transcripts: intron variant (1).
Genome position (GRCh38, 1-based): chr2:174,572,404, C>T on the plus strand (G>A on the coding strand, the complement: WIPF1 is on the minus strand). VCF-style: chr2-174572404-C-T. GRCh37 (hg19) VCF-style: chr2-175437132-C-T.
Other names: c.401G>A, p.Arg134Lys (NM_001077269.1, NM_001375832.1, NM_001375833.1 and 5 more transcripts); c.182-159G>A (NM_001375839.1); short protein forms R134K.
Identifiers: ClinVar variation 834134 (VCV000834134.8), dbSNP rs1006829187, ClinGen allele CA60843963.

ClinVar aggregate classification (germline): Uncertain significance (1 of 4 stars; one submission).

Conditions:
Wiskott-Aldrich syndrome 2 (WAS2). Also called: WIPF1 DEFICIENCY. Identifiers: Orphanet 906, MedGen C3281001, MONDO:0013779, OMIM 614493.

Allele frequency attached by ClinVar (database versions not stated): gnomAD exomes below 0.00001; TOPMed 0.00001.
gnomAD v4.1: 3 of 1,614,146 alleles (0.00019%); highest among the groups gnomAD compares: Non-Finnish European, 0.00025%; no homozygotes.

Submission:

Labcorp Genetics (formerly Invitae), Labcorp
Classification: Uncertain significance for Wiskott-Aldrich syndrome 2. Last evaluated: 2019-12-12. Review status: criteria provided, single submitter. Criteria: Invitae Variant Classification Sherloc (09022015). Collection method: clinical testing. Allele origin: germline.
Comment: This sequence change replaces arginine with lysine at codon 134 of the WIPF1 protein (p.Arg134Lys). The arginine residue is highly conserved and there is a small physicochemical difference between arginine and lysine. This variant is not present in population databases (ExAC no frequency). This variant has not been reported in the literature in individuals with WIPF1-related conditions. Algorithms developed to predict the effect of missense changes on protein structure and function are either unavailable or do not agree on the potential impact of this missense change (SIFT: "Not Available"; PolyPhen-2: "Benign"; Align-GVGD: "Not Available"). In summary, the available evidence is currently insufficient to determine the role of this variant in disease. Therefore, it has been classified as a Variant of Uncertain Significance.